The following is an entry in ClinVar:

ClinVar aggregate classification (germline): Pathogenic/Likely pathogenic. Review status: criteria provided, multiple submitters, no conflicts (2 of 4 stars). 4 submissions from 4 submitters: Pathogenic (2); Likely pathogenic (2). Last evaluated 2025-06-25.

Conditions:
Aplastic anemia. Identifiers: Orphanet 182040, Orphanet 88, MedGen C0002874, MONDO:0015909, OMIM 609135, HP:0001915.
Microcephaly, normal intelligence and immunodeficiency (NBS). Also called: Nijmegen breakage syndrome; Microcephaly with normal intelligence immunodeficiency and lymphoreticular malignancies; Nonsyndromal microcephaly autosomal recessive with normal intelligence; Seemanova syndrome 2; Ataxia telangiectasia variant V1; IMMUNODEFICIENCY, MICROCEPHALY, AND CHROMOSOMAL INSTABILITY. Identifiers: Orphanet 647, MedGen C0398791, MONDO:0009623, OMIM 251260.

Submissions (4):

Natera, Inc.
Classification: Likely pathogenic for Nijmegen breakage syndrome. Last evaluated: 2025-06-25. Review status: criteria provided, single submitter. Criteria: Natera Variant Classification Schema (03/2026). Collection method: clinical testing. Allele origin: germline.
Comment: The c.1647_1651delAAAAA variant in NBN is a frameshift variant predicted to shift the reading frame beginning at codon 550 and leads to a stop codon 4 codons downstream. This variant is expected to result in nonsense mediated decay, truncation, or a dysfunctional protein product. This variant is rare in the general population with a frequency below the threshold expected for the associated phenotype(s). Given the available evidence, this variant is classified as Likely Pathogenic.

Myriad Genetics, Inc.
Classification: Pathogenic for Microcephaly, normal intelligence and immunodeficiency. Last evaluated: 2024-05-08. Review status: criteria provided, single submitter. Criteria: Myriad Autosomal Dominant, Autosomal Recessive and X-Linked Classification Criteria (2023). Collection method: clinical testing. Allele origin: unknown.
Comment: NM_002485.4(NBN):c.1647_1651del5(K550Gfs*4) is expected to be pathogenic in the context of Nijmegen breakage syndrome. This variant is predicted to lead to an abnormal or absent protein product due to the creation of a premature termination codon in NBN, a gene where loss-of-function variants are known to be pathogenic. Please note: this variant was assessed in the context of healthy population screening.

Baylor Genetics
Classification: Likely pathogenic for Aplastic anemia. Last evaluated: 2023-11-08. Review status: criteria provided, single submitter. Criteria: ACMG Guidelines, 2015. Collection method: clinical testing. Allele origin: unknown.

Labcorp Genetics (formerly Invitae), Labcorp
Classification: Pathogenic for Microcephaly, normal intelligence and immunodeficiency. Last evaluated: 2022-09-20. Review status: criteria provided, single submitter. Criteria: Invitae Variant Classification Sherloc (09022015). Collection method: clinical testing. Allele origin: germline.
Comment: This sequence change creates a premature translational stop signal (p.Lys550Glyfs*4) in the NBN gene. It is expected to result in an absent or disrupted protein product. Loss-of-function variants in NBN are known to be pathogenic (PMID: 9590180, 16415040). This variant is not present in population databases (gnomAD no frequency). This variant has not been reported in the literature in individuals affected with NBN-related conditions. ClinVar contains an entry for this variant (Variation ID: 411776). For these reasons, this variant has been classified as Pathogenic.

Literature cited by the submitters: PubMed 9590180 (cited by Labcorp Genetics (formerly Invitae), Labcorp); PubMed 16415040 (cited by Labcorp Genetics (formerly Invitae), Labcorp).

NM_002485.5(NBN):c.1647_1651del (p.Lys550fs)

Gene: NBN (nibrin; minus strand). Cytogenetic location: 8q21.3.
Variant type: Deletion.
Coding change: c.1647_1651del on transcript NM_002485.5 (MANE Select); coding-DNA positions 1647 to 1651, 5 bases deleted (AAAAA; older notation c.1647_1651delAAAAA).
Protein change: p.Lys550fs; shifts the reading frame from lysine 550.
Molecular consequence: frameshift variant.
Genome position (GRCh38, 1-based): chr8:89,953,438-89,953,442, TTTTT deleted on the plus strand (AAAAA on the coding strand, the reverse complement: NBN is on the minus strand); deleting any 5 consecutive bases within chr8:89,953,438-89,953,444 gives the same sequence; the c. name uses the placement nearest the transcript's 3' end. VCF-style (leftmost placement, unchanged base first): chr8-89953437-CTTTTT-C. GRCh37 (hg19) VCF-style: chr8-90965665-CTTTTT-C.
Other names: c.1647_1651delAAAAA (NM_002485.4); c.1401_1405del, p.Lys468fs (NM_001024688.3); short protein forms K550fs, K468fs.
Identifiers: ClinVar variation 411776 (VCV000411776.9), dbSNP rs766044684, ClinGen allele CA16612659.
Genomic context (GRCh38, chr8:89,953,437, plus strand): 5'-TTTGTGTCCTTGAATAACTGTTCCAATACTTCATCTTCTATGGCCACATCATCCATTTCC[CTTTTT>C]TTATTTGATCTTAGCTTTTCTGCAGCATGAGATTTACTGGCAGAATTTTTCACAATAGAT-3'